The following is an entry in ClinVar:

NM_001371727.1(GABRB2):c.1151C>T (p.Pro384Leu)

Gene: GABRB2 (gamma-aminobutyric acid type A receptor subunit beta2; minus strand). Cytogenetic location: 5q34.
Variant type: single nucleotide variant.
Coding change: c.1151C>T on transcript NM_001371727.1 (MANE Select); coding-DNA position 1151, C replaced by T.
Protein change: p.Pro384Leu; replaces proline 384 with leucine.
Molecular consequence: missense variant. On other transcripts: intron variant (1).
Genome position (GRCh38, 1-based): chr5:161,326,408, G>A on the plus strand (C>T on the coding strand, the complement: GABRB2 is on the minus strand). VCF-style: chr5-161326408-G-A. GRCh37 (hg19) VCF-style: chr5-160753415-G-A.
Other names: c.1151C>T, p.Pro384Leu (NM_021911.3); c.1077+4475C>T (NM_000813.3); short protein forms P384L.
Identifiers: ClinVar variation 3063896 (VCV003063896.1), dbSNP rs2546552402, ClinGen allele CA362174288.

ClinVar aggregate classification (germline): Uncertain significance (1 of 4 stars; one submission).

Submission:

Women's Health and Genetics/Laboratory Corporation of America, LabCorp
Classification: Uncertain significance. Last evaluated: 2024-01-12. Review status: criteria provided, single submitter. Criteria: LabCorp Variant Classification Summary - May 2015. Collection method: clinical testing. Allele origin: germline.
Comment: Variant summary: GABRB2 c.1151C>T (p.Pro384Leu) results in a non-conservative amino acid change located in the neurotransmitter-gated ion-channel transmembrane domain (IPR006029) of the encoded protein sequence. Three of five in-silico tools predict a benign effect of the variant on protein function. The variant was absent in 248836 control chromosomes (gnomAD). The available data on variant occurrences in the general population are insufficient to allow any conclusion about variant significance. To our knowledge, no occurrence of c.1151C>T in individuals affected with Epileptic Encephalopathy, Infantile Or Early Childhood, 2 and no experimental evidence demonstrating its impact on protein function have been reported. No submitters have cited clinical-significance assessments for this variant to ClinVar. Based on the evidence outlined above, the variant was classified as uncertain significance.